The following is an entry in ClinVar:

ClinVar aggregate classification (germline): Uncertain significance (1 of 4 stars; one submission).

Allele frequency attached by ClinVar (database versions not stated): gnomAD exomes below 0.00001.
gnomAD v4.1: 1 of 1,610,450 alleles (0.000062%); highest among the groups gnomAD compares: Admixed American, 0.0017%; no homozygotes.

Submission:

Labcorp Genetics (formerly Invitae), Labcorp
Classification: Uncertain significance. Last evaluated: 2023-04-07. Review status: criteria provided, single submitter. Criteria: Invitae Variant Classification Sherloc (09022015). Collection method: clinical testing. Allele origin: germline.
Comment: This sequence change replaces proline, which is neutral and non-polar, with serine, which is neutral and polar, at codon 134 of the IFT88 protein (p.Pro134Ser). This variant is present in population databases (no rsID available, gnomAD 0.003%). This variant has not been reported in the literature in individuals affected with IFT88-related conditions. ClinVar contains an entry for this variant (Variation ID: 1374594). Experimental studies and prediction algorithms are not available or were not evaluated, and the functional significance of this variant is currently unknown. In summary, the available evidence is currently insufficient to determine the role of this variant in disease. Therefore, it has been classified as a Variant of Uncertain Significance.

NM_006531.5(IFT88):c.373C>T (p.Pro125Ser)

Gene: IFT88 (intraflagellar transport 88; plus strand). Cytogenetic location: 13q12.11.
Variant type: single nucleotide variant.
Coding change: c.373C>T on transcript NM_006531.5 (MANE Select); coding-DNA position 373, C replaced by T.
Protein change: p.Pro125Ser; replaces proline 125 with serine.
Molecular consequence: missense variant. On other transcripts: non-coding transcript variant (5), intron variant (1).
Genome position (GRCh38, 1-based): chr13:20,592,379, C>T. VCF-style: chr13-20592379-C-T. GRCh37 (hg19) VCF-style: chr13-21166518-C-T.
Other names: c.316C>T, p.Pro106Ser (NM_001318491.2, NM_001353573.2, NM_001353574.2 and 1 more transcripts); c.400C>T, p.Pro134Ser (NM_001318493.2, NM_001353565.2, NM_001353566.2 and 6 more transcripts); c.373C>T, p.Pro125Ser (NM_001353568.2, NM_001353571.2, NM_001353572.2 and 1 more transcripts); c.-236+698C>T (NM_001353579.2); short protein forms P106S, P125S, P134S.
Identifiers: ClinVar variation 1374594 (VCV001374594.6), dbSNP rs1360211182, ClinGen allele CA387471950.